The following is an entry in ClinVar:

ClinVar aggregate classification (germline): Uncertain significance (0 of 4 stars; one submission).

Conditions:
ADCY3-related disorder. Also called: ADCY3-related condition.

gnomAD v4.1: 17 of 1,613,824 alleles (0.0011%); highest among the groups gnomAD compares: African/African-American, 0.0027%; no homozygotes.

Submission:

PreventionGenetics, part of Exact Sciences
Classification: Uncertain significance for ADCY3-related condition. Last evaluated: 2023-11-30. Review status: no assertion criteria provided. Collection method: clinical testing. Allele origin: germline.
Comment: The ADCY3 c.2576G>A variant is predicted to result in the amino acid substitution p.Arg859His. To our knowledge, this variant has not been reported in the literature. This variant is reported in 0.012% of alleles in individuals of African descent in gnomAD. At this time, the clinical significance of this variant is uncertain due to the absence of conclusive functional and genetic evidence.

NM_004036.5(ADCY3):c.2573G>A (p.Arg858His)

Gene: ADCY3 (adenylate cyclase 3; minus strand). Cytogenetic location: 2p23.3.
Variant type: single nucleotide variant.
Coding change: c.2573G>A on transcript NM_004036.5 (MANE Select); coding-DNA position 2573, G replaced by A.
Protein change: p.Arg858His; replaces arginine 858 with histidine.
Molecular consequence: missense variant. On other transcripts: intron variant (1).
Genome position (GRCh38, 1-based): chr2:24,826,049, C>T on the plus strand (G>A on the coding strand, the complement: ADCY3 is on the minus strand). VCF-style: chr2-24826049-C-T. GRCh37 (hg19) VCF-style: chr2-25048918-C-T.
Other names: c.2576G>A, p.Arg859His (NM_001320613.2); c.2639G>A, p.Arg880His (NM_001377128.1); c.2435G>A, p.Arg812His (NM_001377129.1); c.1850G>A, p.Arg617His (NM_001377131.1); c.2573G>A, p.Arg858His (NM_001377132.1); c.2173-1513G>A (NM_001377130.1); short protein forms R617H, R812H, R858H, R859H, R880H.
Identifiers: ClinVar variation 3354773 (VCV003354773.1).